The following is an entry in ClinVar:

ClinVar aggregate classification (germline): Uncertain significance (1 of 4 stars; one submission).

Conditions:
Alstrom syndrome (ALMS). Identifiers: Orphanet 64, MedGen C0268425, MONDO:0008763, OMIM 203800.

Submission:

Labcorp Genetics (formerly Invitae), Labcorp
Classification: Uncertain significance for Alstrom syndrome. Last evaluated: 2022-08-12. Review status: criteria provided, single submitter. Criteria: Invitae Variant Classification Sherloc (09022015). Collection method: clinical testing. Allele origin: germline.
Comment: In summary, the available evidence is currently insufficient to determine the role of this variant in disease. Therefore, it has been classified as a Variant of Uncertain Significance. Experimental studies and prediction algorithms are not available or were not evaluated, and the functional significance of this variant is currently unknown. This variant has not been reported in the literature in individuals affected with ALMS1-related conditions. This variant is not present in population databases (gnomAD no frequency). This sequence change replaces proline, which is neutral and non-polar, with arginine, which is basic and polar, at codon 2307 of the ALMS1 protein (p.Pro2307Arg).

NM_001378454.1(ALMS1):c.6917C>G (p.Pro2306Arg)

Gene: ALMS1 (ALMS1 centrosome and basal body associated protein; plus strand). Cytogenetic location: 2p13.1.
Variant type: single nucleotide variant.
Coding change: c.6917C>G on transcript NM_001378454.1 (MANE Select); coding-DNA position 6917, C replaced by G.
Protein change: p.Pro2306Arg; replaces proline 2306 with arginine.
Molecular consequence: missense variant.
Genome position (GRCh38, 1-based): chr2:73,453,444, C>G. VCF-style: chr2-73453444-C-G. GRCh37 (hg19) VCF-style: chr2-73680571-C-G.
Other names: c.6920C>G, p.Pro2307Arg (NM_015120.4); short protein forms P2306R, P2307R.
Identifiers: ClinVar variation 2153558 (VCV002153558.4), dbSNP rs2466110602, ClinGen allele CA347290062.